The following is an entry in ClinVar:

ClinVar aggregate classification (germline): Conflicting classifications of pathogenicity. Review status: criteria provided, conflicting classifications (1 of 4 stars). 2 submissions from 2 submitters: Uncertain significance (1); Likely benign (1). Last evaluated 2023-12-14.

Conditions:
Episodic ataxia type 2 (EA2). Also called: ACETAZOLAMIDE-RESPONSIVE HEREDITARY PAROXYSMAL CEREBELLAR ATAXIA; ATAXIA, EPISODIC, WITH NYSTAGMUS; ATAXIA, FAMILIAL PAROXYSMAL; CEREBELLAR ATAXIA, PAROXYSMAL, ACETAZOLAMIDE-RESPONSIVE; CEREBELLOPATHY, HEREDITARY PAROXYSMAL; EPISODIC ATAXIA, NYSTAGMUS-ASSOCIATED. Identifiers: Orphanet 97, MedGen C1720416, MONDO:0007163, OMIM 108500.
Developmental and epileptic encephalopathy, 42 (DEE42A). Also called: DEVELOPMENTAL AND EPILEPTIC ENCEPHALOPATHY 42A; EPILEPTIC ENCEPHALOPATHY, EARLY INFANTILE, 42A; Epileptic encephalopathy, early infantile, 42. Identifiers: MedGen C4310716, MONDO:0014917, OMIM 617106.

Submissions (2):

Athena Diagnostics
Classification: Uncertain significance. Last evaluated: 2023-12-14. Review status: criteria provided, single submitter. Criteria: Athena Diagnostics Criteria. Collection method: clinical testing. Allele origin: unknown.
Comment: Available data are insufficient to determine the clinical significance of the variant at this time. This variant has not been reported in large, multi-ethnic general populations. Computational tools yielded predictions that this variant is unlikely to have an effect on normal RNA splicing.

Labcorp Genetics (formerly Invitae), Labcorp
Classification: Likely benign for Developmental and epileptic encephalopathy, 42; Episodic ataxia type 2. Last evaluated: 2020-10-08. Review status: criteria provided, single submitter. Criteria: Invitae Variant Classification Sherloc (09022015). Collection method: clinical testing. Allele origin: germline.

NM_001127222.2(CACNA1A):c.1914-5T>C

Gene: CACNA1A (calcium voltage-gated channel subunit alpha1 A; minus strand). Cytogenetic location: 19p13.13.
Variant type: single nucleotide variant.
Coding change: c.1914-5T>C on transcript NM_001127222.2 (MANE Select); 5 bases into the intron before coding-DNA position 1914, T replaced by C.
Molecular consequence: intron variant.
Genome position (GRCh38, 1-based): chr19:13,307,859, A>G on the plus strand (T>C on the coding strand, the complement: CACNA1A is on the minus strand). VCF-style: chr19-13307859-A-G. GRCh37 (hg19) VCF-style: chr19-13418673-A-G.
Other names: c.1917-5T>C (NM_000068.2, NM_001127221.2, NM_001174080.2 and 2 more transcripts).
Identifiers: ClinVar variation 1108494 (VCV001108494.10), dbSNP rs2145002415, ClinGen allele CA2499225391.